The following is an entry in ClinVar:

NM_000548.5(TSC2):c.4887C>T (p.Asp1629=)

Gene: TSC2 (TSC complex subunit 2; plus strand). Cytogenetic location: 16p13.3.
Variant type: single nucleotide variant.
Coding change: c.4887C>T on transcript NM_000548.5 (MANE Select); coding-DNA position 4887, C replaced by T.
Protein change: p.Asp1629=; no amino-acid change (aspartic acid 1629 retained).
Molecular consequence: synonymous variant.
Genome position (GRCh38, 1-based): chr16:2,086,769, C>T. VCF-style: chr16-2086769-C-T. GRCh37 (hg19) VCF-style: chr16-2136770-C-T.
Other names: c.4686C>T, p.Asp1562= (NM_001077183.3); c.4818C>T, p.Asp1606= (NM_001114382.3); c.4578C>T, p.Asp1526= (NM_001318827.2); c.4542C>T, p.Asp1514= (NM_001318829.2); c.4155C>T, p.Asp1385= (NM_001318831.2); c.4719C>T, p.Asp1573= (NM_001318832.2); c.4689C>T, p.Asp1563= (NM_001363528.2); c.4755C>T, p.Asp1585= (NM_001370404.1); and 2 more.
Identifiers: ClinVar variation 49972 (VCV000049972.29), dbSNP rs137854152, ClinGen allele CA021191.

ClinVar aggregate classification (germline): Conflicting classifications of pathogenicity. Review status: criteria provided, conflicting classifications (1 of 4 stars). 12 submissions from 12 submitters: Uncertain significance (1); Benign (2); Likely benign (7). 2 of the submissions do not count toward it. Last evaluated 2026-01-26.

Conditions:
TSC2-related disorder. Also called: TSC2-Related Disorders; TSC2-related condition.
Hereditary cancer-predisposing syndrome. Also called: Tumor predisposition; Neoplastic Syndromes, Hereditary; Hereditary neoplastic syndrome; Hereditary Cancer Syndrome. Identifiers: Orphanet 140162, MedGen C0027672, MeSH D009386, MONDO:0015356.
Tuberous sclerosis syndrome (TSC). Also called: Tuberous Sclerosis Complex; Tuberous sclerosis. Identifiers: Orphanet 805, MedGen C0041341, MONDO:0001734.
Tuberous sclerosis 2 (TSC2). Identifiers: Orphanet 805, MedGen C1860707, MONDO:0013199, OMIM 613254.

Allele frequency attached by ClinVar (database versions not stated): gnomAD exomes 0.00002 and 0.00003; gnomAD 0.00007 and 0.00009; TOPMed 0.00009.
gnomAD v4.1: 60 of 1,611,198 alleles (0.0037%); highest among the groups gnomAD compares: African/African-American, 0.016%; no homozygotes.

Submissions (12):

Labcorp Genetics (formerly Invitae), Labcorp
Classification: Benign for Tuberous sclerosis 2. Last evaluated: 2026-01-26. Review status: criteria provided, single submitter. Criteria: Invitae Variant Classification Sherloc (09022015). Collection method: clinical testing. Allele origin: germline.

Myriad Genetics, Inc.
Classification: Benign for Tuberous sclerosis 2. Last evaluated: 2025-06-05. Review status: criteria provided, single submitter. Criteria: Myriad Autosomal Dominant, Autosomal Recessive and X-Linked Classification Criteria (2023). Collection method: clinical testing. Allele origin: unknown.
Comment: This variant is considered benign. This variant is a silent/synonymous amino acid change and it is not expected to impact splicing.

All of Us Research Program, National Institutes of Health
Classification: Likely benign for Tuberous sclerosis syndrome. Last evaluated: 2024-01-11. Review status: criteria provided, single submitter. Criteria: ACMG Guidelines, 2015. Collection method: clinical testing. Allele origin: germline. Inheritance: Autosomal dominant inheritance. Observed: 10 variant alleles, 10 heterozygotes.
Comment: This study involves interpretation of variants in research participants for the purpose of population health screening. Participant phenotype was not available at the time of variant classification. Additional details can be found in publication PMID: 35346344, PMCID: PMC8962531

Color Diagnostics, LLC DBA Color Health
Classification: Likely benign for Tuberous sclerosis syndrome. Last evaluated: 2022-11-06. Review status: criteria provided, single submitter. Criteria: ACMG Guidelines, 2015. Collection method: clinical testing. Allele origin: germline.

Sema4
Classification: Likely benign for Hereditary cancer-predisposing syndrome. Last evaluated: 2021-12-23. Review status: criteria provided, single submitter. Criteria: Sema4 Curation Guidelines. Collection method: curation. Allele origin: germline.

Genome-Nilou Lab
Classification: Likely benign for Tuberous sclerosis 2. Last evaluated: 2021-11-07. Review status: criteria provided, single submitter. Criteria: ACMG Guidelines, 2015. Collection method: clinical testing. Allele origin: germline. Affected: no.

Blueprint Genetics
Classification: Likely benign. Last evaluated: 2020-12-31. Review status: criteria provided, single submitter. Criteria: ACMG Guidelines, 2015. Collection method: clinical testing. Allele origin: germline.

GeneDx
Classification: Likely benign. Last evaluated: 2018-01-25. Review status: criteria provided, single submitter. Criteria: GeneDx Variant Classification (06012015). Collection method: clinical testing. Allele origin: germline. Affected: yes.
Comment: This variant is considered likely benign or benign based on one or more of the following criteria: it is a conservative change, it occurs at a poorly conserved position in the protein, it is predicted to be benign by multiple in silico algorithms, and/or has population frequency not consistent with disease.

Illumina Laboratory Services, Illumina
Classification: Uncertain significance for Tuberous sclerosis syndrome. Last evaluated: 2018-01-13. Review status: criteria provided, single submitter. Criteria: ICSL Variant Classification Criteria 13 December 2019. Collection method: clinical testing. Allele origin: germline.

Ambry Genetics
Classification: Likely benign for Hereditary cancer-predisposing syndrome. Last evaluated: 2016-06-02. Review status: criteria provided, single submitter. Criteria: Ambry Variant Classification Scheme 2023. Collection method: clinical testing. Allele origin: germline.

PreventionGenetics, part of Exact Sciences
Classification: Likely benign for TSC2-related condition. Last evaluated: 2023-08-14. Review status: no assertion criteria provided. Collection method: clinical testing. Allele origin: germline. Not counted in ClinVar's aggregate classification.
Comment: This variant is classified as likely benign based on ACMG/AMP sequence variant interpretation guidelines (Richards et al. 2015 PMID: 25741868, with internal and published modifications).

Tuberous sclerosis database (TSC2)
No classification provided. Condition: TSC. Review status: no classification provided. Criteria: Tuberous Sclerosis Database Assertion Criteria 2015. Collection method: curation. Allele origin: germline. Affected: yes. Not counted in ClinVar's aggregate classification.